The following is an entry in ClinVar:

ClinVar aggregate classification (germline): Conflicting classifications of pathogenicity. Review status: criteria provided, conflicting classifications (1 of 4 stars). 2 submissions from 2 submitters: Likely pathogenic (1); Uncertain significance (1). Last evaluated 2020-08-23.

Conditions:
Charcot-Marie-Tooth disease. Also called: Charcot-Marie-Tooth Hereditary Neuropathy; Charcot-Marie-Tooth Neuropathy. Identifiers: Orphanet 166, MedGen C0007959, MONDO:0015626.
Charcot-Marie-Tooth disease type 2. Also called: Charcot-Marie-Tooth type 2. Identifiers: Orphanet 64746, MedGen C0270914, MONDO:0018993.

Submissions (2):

Labcorp Genetics (formerly Invitae), Labcorp
Classification: Likely pathogenic for Charcot-Marie-Tooth disease type 2. Last evaluated: 2020-08-23. Review status: criteria provided, single submitter. Criteria: Invitae Variant Classification Sherloc (09022015). Collection method: clinical testing. Allele origin: germline.
Comment: This sequence change replaces serine with cysteine at codon 231 of the MFN2 protein (p.Ser231Cys). The serine residue is highly conserved and there is a moderate physicochemical difference between serine and cysteine. This variant is not present in population databases (ExAC no frequency). This variant has been observed in individual(s) with Charcot-Marie-Tooth disease (Invitae). ClinVar contains an entry for this variant (Variation ID: 917374). Advanced modeling of protein sequence and biophysical properties (such as structural, functional, and spatial information, amino acid conservation, physicochemical variation, residue mobility, and thermodynamic stability) performed at Invitae indicates that this missense variant is expected to disrupt MFN2 protein function. This variant disrupts the p.Ser231 amino acid residue in MFN2. Other variant(s) that disrupt this residue have been determined to be pathogenic (PMID: 24444136). This suggests that this residue is clinically significant, and that variants that disrupt this residue are likely to be disease-causing. In summary, the currently available evidence indicates that the variant is pathogenic, but additional data are needed to prove that conclusively. Therefore, this variant has been classified as Likely Pathogenic.

Molecular Genetics Laboratory, London Health Sciences Centre
Classification: Uncertain significance for Charcot-Marie-Tooth disease. Review status: criteria provided, single submitter. Criteria: ACMG Guidelines, 2015. Collection method: clinical testing. Allele origin: germline. Affected: yes.

Literature cited by the submitters: PubMed 24444136 (cited by Labcorp Genetics (formerly Invitae), Labcorp).

NM_014874.4(MFN2):c.692C>G (p.Ser231Cys)

Gene: MFN2 (mitofusin 2; plus strand). Cytogenetic location: 1p36.22.
Variant type: single nucleotide variant.
Coding change: c.692C>G on transcript NM_014874.4 (MANE Select); coding-DNA position 692, C replaced by G.
Protein change: p.Ser231Cys; replaces serine 231 with cysteine.
Molecular consequence: missense variant.
Genome position (GRCh38, 1-based): chr1:11,998,862, C>G. VCF-style: chr1-11998862-C-G. GRCh37 (hg19) VCF-style: chr1-12058919-C-G.
Other names: c.692C>G, p.Ser231Cys (NM_001127660.2); short protein forms S231C.
Identifiers: ClinVar variation 917374 (VCV000917374.9), dbSNP rs1569842714, ClinGen allele CA338438517.